The following is an entry in ClinVar:

NM_024757.5(EHMT1):c.558A>G (p.Thr186=)

Gene: EHMT1 (euchromatic histone lysine methyltransferase 1; plus strand). Cytogenetic location: 9q34.3.
Variant type: single nucleotide variant.
Coding change: c.558A>G on transcript NM_024757.5 (MANE Select); coding-DNA position 558, A replaced by G.
Protein change: p.Thr186=; no amino-acid change (threonine 186 retained).
Molecular consequence: synonymous variant.
Genome position (GRCh38, 1-based): chr9:137,717,098, A>G. VCF-style: chr9-137717098-A-G. GRCh37 (hg19) VCF-style: chr9-140611550-A-G.
Other names: c.558A>G, p.Thr186= (NM_001145527.2, NM_001354263.2, NM_001354611.2); c.465A>G, p.Thr155= (NM_001354259.2, NM_001354612.2).
Identifiers: ClinVar variation 1092565 (VCV001092565.30), dbSNP rs555678625, ClinGen allele CA5374345.

ClinVar aggregate classification (germline): Likely benign. Review status: criteria provided, multiple submitters, no conflicts (2 of 4 stars). 3 submissions from 3 submitters: Likely benign (3). Last evaluated 2026-02-13.

Conditions:
Kleefstra syndrome 1 (KLEFS1). Identifiers: Orphanet 261494, MedGen C0795833, MONDO:0027407, OMIM 610253.

Allele frequency attached by ClinVar (database versions not stated): gnomAD exomes below 0.00001 and 0.00002; gnomAD 0.00001; ExAC 0.00002; 1000 Genomes Project 0.00020; 1000 Genomes Project 30x 0.00031.
gnomAD v4.1: 7 of 1,612,308 alleles (0.00043%); highest among the groups gnomAD compares: East Asian, 0.016%; no homozygotes.

Submissions (3):

Women's Health and Genetics/Laboratory Corporation of America, LabCorp
Classification: Likely benign. Last evaluated: 2026-02-13. Review status: criteria provided, single submitter. Criteria: LabCorp Variant Classification Summary - May 2015. Collection method: clinical testing. Allele origin: germline.

Labcorp Genetics (formerly Invitae), Labcorp
Classification: Likely benign for Kleefstra syndrome 1. Last evaluated: 2024-08-29. Review status: criteria provided, single submitter. Criteria: Invitae Variant Classification Sherloc (09022015). Collection method: clinical testing. Allele origin: germline.

CeGaT Center for Human Genetics Tuebingen
Classification: Likely benign. Last evaluated: 2024-05-01. Review status: criteria provided, single submitter. Criteria: CeGaT Center For Human Genetics Tuebingen Variant Classification Criteria Version 2. Collection method: clinical testing. Allele origin: germline. Affected: yes. Observed: 1 variant allele.
Comment: EHMT1: BP4, BP7